The following is an entry in ClinVar:

NM_020778.5(ALPK3):c.1174G>T (p.Ala392Ser)

Gene: ALPK3 (alpha kinase 3; plus strand). Cytogenetic location: 15q25.3.
Variant type: single nucleotide variant.
Coding change: c.1174G>T on transcript NM_020778.5 (MANE Select); coding-DNA position 1174, G replaced by T.
Protein change: p.Ala392Ser; replaces alanine 392 with serine.
Molecular consequence: missense variant.
Genome position (GRCh38, 1-based): chr15:84,840,453, G>T. VCF-style: chr15-84840453-G-T. GRCh37 (hg19) VCF-style: chr15-85383684-G-T.
Other names: c.1780G>T (NM_020778.4); short protein forms A392S.
Identifiers: ClinVar variation 4782109 (VCV004782109.2).
Genomic context (GRCh38, chr15:84,840,453, plus strand): 5'-GGCAGGGCTGCACGGGGGCCTGGGTCCTCTGGCACAGATAGTACCAGGAAGCCAGCCTCT[G>T]CTGTGGGCACTCCAGACAAGGCCCAGAAGGCCCCTGGCCCAGGCCCAGGCCAGGAAGTGT-3'
Protein context (NP_065829.4, residues 382-402): GTDSTRKPAS[Ala392Ser]VGTPDKAQKA

ClinVar aggregate classification (germline): Uncertain significance. Review status: criteria provided, multiple submitters, no conflicts (2 of 4 stars). 2 submissions from 2 submitters: Uncertain significance (2). Last evaluated 2026-06-20.

Conditions:
Cardiovascular phenotype. Identifiers: MedGen CN230736.

Submissions (2):

Ambry Genetics
Classification: Uncertain significance for Cardiovascular phenotype. Last evaluated: 2026-06-20. Review status: criteria provided, single submitter. Criteria: Ambry Variant Classification Scheme 2023. Collection method: clinical testing. Allele origin: germline.
Comment: The p.A594S variant (also known as c.1780G>T), located in coding exon 5 of the ALPK3 gene, results from a G to T substitution at nucleotide position 1780. The alanine at codon 594 is replaced by serine, an amino acid with similar properties. This amino acid position is conserved. In addition, this alteration is predicted to be tolerated by in silico analysis. Based on the available evidence, the clinical significance of this variant remains unclear.

Labcorp Genetics (formerly Invitae), Labcorp
Classification: Uncertain significance. Last evaluated: 2025-09-20. Review status: criteria provided, single submitter. Criteria: Invitae Variant Classification Sherloc (09022015). Collection method: clinical testing. Allele origin: germline.
Comment: This sequence change replaces alanine, which is neutral and non-polar, with serine, which is neutral and polar, at codon 594 of the ALPK3 protein (p.Ala594Ser). This variant is not present in population databases (gnomAD no frequency). This variant has not been reported in the literature in individuals affected with ALPK3-related conditions. Invitae Evidence Modeling of protein sequence and biophysical properties (such as structural, functional, and spatial information, amino acid conservation, physicochemical variation, residue mobility, and thermodynamic stability) indicates that this missense variant is not expected to disrupt ALPK3 protein function with a negative predictive value of 80%. In summary, the available evidence is currently insufficient to determine the role of this variant in disease. Therefore, it has been classified as a Variant of Uncertain Significance.